The following is an entry in ClinVar:

NM_001367624.2(ZNF469):c.6511G>C (p.Ala2171Pro)

Gene: ZNF469 (zinc finger protein 469; plus strand). Cytogenetic location: 16q24.2.
Variant type: single nucleotide variant.
Coding change: c.6511G>C on transcript NM_001367624.2 (MANE Select); coding-DNA position 6511, G replaced by C.
Protein change: p.Ala2171Pro; replaces alanine 2171 with proline.
Molecular consequence: missense variant.
Genome position (GRCh38, 1-based): chr16:88,433,981, G>C. VCF-style: chr16-88433981-G-C. GRCh37 (hg19) VCF-style: chr16-88500389-G-C.
Other names: short protein forms A2171P.
Identifiers: ClinVar variation 4853568 (VCV004853568.1).

ClinVar aggregate classification (germline): Uncertain significance (1 of 4 stars; one submission).

Submission:

Women's Health and Genetics/Laboratory Corporation of America, LabCorp
Classification: Uncertain significance. Last evaluated: 2026-05-05. Review status: criteria provided, single submitter. Criteria: LabCorp Variant Classification Summary - May 2015. Collection method: clinical testing. Allele origin: germline.
Comment: Variant summary: ZNF469 c.6511G>C (p.Ala2171Pro) results in a non-conservative amino acid change in the encoded protein sequence. Algorithms developed to predict the effect of missense changes on protein structure and function are either unavailable or do not agree on the potential impact of this missense change. The variant was absent in 152076 control chromosomes. The available data on variant occurrences in the general population are insufficient to allow any conclusion about variant significance. To our knowledge, no occurrence of c.6511G>C in individuals affected with ZNF469-related conditions and no experimental evidence demonstrating its impact on protein function have been reported. No submitters have cited clinical-significance assessments for this variant to ClinVar. Based on the evidence outlined above, the variant was classified as uncertain significance.